The following is an entry in ClinVar:

NM_001374828.1(ARID1B):c.5289G>T (p.Met1763Ile)

Gene: ARID1B (AT-rich interaction domain 1B; plus strand). Cytogenetic location: 6q25.3.
Variant type: single nucleotide variant.
Coding change: c.5289G>T on transcript NM_001374828.1 (MANE Select); coding-DNA position 5289, G replaced by T.
Protein change: p.Met1763Ile; replaces methionine 1763 with isoleucine.
Molecular consequence: missense variant.
Genome position (GRCh38, 1-based): chr6:157,203,891, G>T. VCF-style: chr6-157203891-G-T. GRCh37 (hg19) VCF-style: chr6-157525025-G-T.
Other names: c.2790G>T, p.Met930Ile (NM_001363725.2); c.5169G>T, p.Met1723Ile (NM_001371656.1, NM_001374820.1); c.5130G>T, p.Met1710Ile (NM_017519.3); c.4920G>T (NM_020732.3); short protein forms M1710I, M1723I, M1763I, M930I.
Identifiers: ClinVar variation 3364998 (VCV003364998.1).

ClinVar aggregate classification (germline): Uncertain significance (1 of 4 stars; one submission).

Submission:

GeneDx
Classification: Uncertain significance. Last evaluated: 2023-12-01. Review status: criteria provided, single submitter. Criteria: GeneDx Variant Classification Process June 2021. Collection method: clinical testing. Allele origin: germline. Affected: yes.
Comment: Not observed at significant frequency in large population cohorts (gnomAD); In silico analysis supports that this missense variant has a deleterious effect on protein structure/function; Has not been previously published as pathogenic or benign to our knowledge